The following is an entry in ClinVar:

NM_001378454.1(ALMS1):c.8487T>C (p.Asn2829=)

Gene: ALMS1 (ALMS1 centrosome and basal body associated protein; plus strand). Cytogenetic location: 2p13.1.
Variant type: single nucleotide variant.
Coding change: c.8487T>C on transcript NM_001378454.1 (MANE Select); coding-DNA position 8487, T replaced by C.
Protein change: p.Asn2829=; no amino-acid change (asparagine 2829 retained).
Molecular consequence: synonymous variant.
Genome position (GRCh38, 1-based): chr2:73,490,446, T>C. VCF-style: chr2-73490446-T-C. GRCh37 (hg19) VCF-style: chr2-73717573-T-C.
Other names: c.8490T>C, p.Asn2830= (NM_015120.4).
Identifiers: ClinVar variation 990700 (VCV000990700.29), dbSNP rs756959656, ClinGen allele CA1714477.

ClinVar aggregate classification (germline): Benign/Likely benign. Review status: criteria provided, multiple submitters, no conflicts (2 of 4 stars). 7 submissions from 7 submitters: Benign (1); Likely benign (3). 3 of the submissions do not count toward it. Last evaluated 2026-03-01.

Conditions:
Alstrom syndrome (ALMS). Identifiers: Orphanet 64, MedGen C0268425, MONDO:0008763, OMIM 203800.
Cardiovascular phenotype. Identifiers: MedGen CN230736.

Allele frequency attached by ClinVar (database versions not stated): gnomAD below 0.00001 and 0.00003; TOPMed 0.00002; gnomAD exomes 0.00006 and 0.00014; ExAC 0.00017.
gnomAD v4.1: 99 of 1,614,002 alleles (0.0061%); highest among the groups gnomAD compares: South Asian, 0.091%; 3 homozygotes.

Submissions (7):

CeGaT Center for Human Genetics Tuebingen
Classification: Likely benign. Last evaluated: 2026-03-01. Review status: criteria provided, single submitter. Criteria: CeGaT Center For Human Genetics Tuebingen Variant Classification Criteria Version 2. Collection method: clinical testing. Allele origin: germline. Affected: yes. Observed: 2 variant alleles.
Comment: ALMS1: BP4, BP7

Labcorp Genetics (formerly Invitae), Labcorp
Classification: Benign for Alstrom syndrome. Last evaluated: 2025-12-18. Review status: criteria provided, single submitter. Criteria: Invitae Variant Classification Sherloc (09022015). Collection method: clinical testing. Allele origin: germline.

Blueprint Genetics
Classification: Likely benign. Last evaluated: 2024-11-21. Review status: criteria provided, single submitter. Criteria: ACMG Guidelines, 2015. Collection method: clinical testing. Allele origin: germline.

Ambry Genetics
Classification: Likely benign for Cardiovascular phenotype. Last evaluated: 2022-05-24. Review status: criteria provided, single submitter. Criteria: Ambry Variant Classification Scheme 2023. Collection method: clinical testing. Allele origin: germline.

Natera, Inc.
Classification: Benign for Alstrom syndrome. Last evaluated: 2020-06-08. Review status: no assertion criteria provided. Collection method: clinical testing. Allele origin: germline. Not counted in ClinVar's aggregate classification.

Clinical Genetics DNA and cytogenetics Diagnostics Lab, Erasmus MC, Erasmus Medical Center
Classification: Likely benign. Review status: no assertion criteria provided. Collection method: clinical testing. Allele origin: germline. Affected: yes. Study: VKGL Data-share Consensus. Not counted in ClinVar's aggregate classification.

Clinical Genetics, Academic Medical Center
Classification: Likely benign. Review status: no assertion criteria provided. Collection method: clinical testing. Allele origin: germline. Affected: yes. Study: VKGL Data-share Consensus. Not counted in ClinVar's aggregate classification.